The following is an entry in ClinVar:

ClinVar aggregate classification (germline): Conflicting classifications of pathogenicity. Review status: criteria provided, conflicting classifications (1 of 4 stars). 4 submissions from 4 submitters: Uncertain significance (3); Likely benign (1). Last evaluated 2025-12-08.

Conditions:
Inborn genetic diseases. Identifiers: MedGen C0950123, MeSH D030342.

Allele frequency attached by ClinVar (database versions not stated): 1000 Genomes Project 0.00020; gnomAD exomes 0.00029 and 0.00035; 1000 Genomes Project 30x 0.00031; gnomAD 0.00033; ExAC 0.00035; TOPMed 0.00038; ESP Exome Variant Server 0.00062.
gnomAD v4.1: 470 of 1,614,036 alleles (0.029%); highest among the groups gnomAD compares: Admixed American, 0.043%; 1 homozygote.

Submissions (4):

Ambry Genetics
Classification: Uncertain significance for Inborn genetic diseases. Last evaluated: 2025-12-08. Review status: criteria provided, single submitter. Criteria: Ambry Variant Classification Scheme 2023. Collection method: clinical testing. Allele origin: germline.

Blueprint Genetics
Classification: Likely benign. Last evaluated: 2024-10-24. Review status: criteria provided, single submitter. Criteria: ACMG Guidelines, 2015. Collection method: clinical testing. Allele origin: germline.

Labcorp Genetics (formerly Invitae), Labcorp
Classification: Uncertain significance. Last evaluated: 2022-09-12. Review status: criteria provided, single submitter. Criteria: Invitae Variant Classification Sherloc (09022015). Collection method: clinical testing. Allele origin: germline.
Comment: This sequence change replaces threonine, which is neutral and polar, with methionine, which is neutral and non-polar, at codon 189 of the POP1 protein (p.Thr189Met). This variant is present in population databases (rs140454290, gnomAD 0.05%). This variant has not been reported in the literature in individuals affected with POP1-related conditions. ClinVar contains an entry for this variant (Variation ID: 1368340). Algorithms developed to predict the effect of missense changes on protein structure and function output the following: SIFT: "Tolerated"; PolyPhen-2: "Benign"; Align-GVGD: "Class C0". The methionine amino acid residue is found in multiple mammalian species, which suggests that this missense change does not adversely affect protein function. In summary, the available evidence is currently insufficient to determine the role of this variant in disease. Therefore, it has been classified as a Variant of Uncertain Significance.

Breakthrough Genomics
Classification: Uncertain significance. Review status: criteria provided, single submitter. Criteria: ACMG Guidelines, 2015. Collection method: not provided. Allele origin: germline. Inheritance: Autosomal recessive inheritance. Affected: yes.

NM_001145860.2(POP1):c.566C>T (p.Thr189Met)

Gene: POP1 (POP1 ribonuclease P/MRP subunit; plus strand). Cytogenetic location: 8q22.2.
Variant type: single nucleotide variant.
Coding change: c.566C>T on transcript NM_001145860.2 (MANE Select); coding-DNA position 566, C replaced by T.
Protein change: p.Thr189Met; replaces threonine 189 with methionine.
Molecular consequence: missense variant.
Genome position (GRCh38, 1-based): chr8:98,130,057, C>T. VCF-style: chr8-98130057-C-T. GRCh37 (hg19) VCF-style: chr8-99142285-C-T.
Other names: c.566C>T, p.Thr189Met (NM_001145861.2, NM_015029.3); c.566C>T (NM_015029.2); short protein forms T189M.
Identifiers: ClinVar variation 1368340 (VCV001368340.7), dbSNP rs140454290, ClinGen allele CA4820357.
Genomic context (GRCh38, chr8:98,130,057, plus strand): 5'-AGAAAAAAGAACATTCAAAAAATAAATGCCATAAAGCTCGAAGATGTCACATGAACCGGA[C>T]GCTAGAATTTAACCGTAGACAAAAGAAGAACATTTGGTTAGAAACTCACATCTGGCACGC-3'
Protein context (NP_001139332.1, residues 179-199): HKARRCHMNR[Thr189Met]LEFNRRQKKN